The following is an entry in ClinVar:

NM_014014.5(SNRNP200):c.1216C>T (p.Arg406Trp)

Gene: SNRNP200 (small nuclear ribonucleoprotein U5 subunit 200; minus strand). Cytogenetic location: 2q11.2.
Variant type: single nucleotide variant.
Coding change: c.1216C>T on transcript NM_014014.5 (MANE Select); coding-DNA position 1216, C replaced by T.
Protein change: p.Arg406Trp; replaces arginine 406 with tryptophan.
Molecular consequence: missense variant.
Genome position (GRCh38, 1-based): chr2:96,297,524, G>A on the plus strand (C>T on the coding strand, the complement: SNRNP200 is on the minus strand). VCF-style: chr2-96297524-G-A. GRCh37 (hg19) VCF-style: chr2-96963262-G-A.
Other names: short protein forms R406W.
Identifiers: ClinVar variation 1718550 (VCV001718550.5), dbSNP rs781619160, ClinGen allele CA1778966.

ClinVar aggregate classification (germline): Uncertain significance (1 of 4 stars; one submission).

Allele frequency attached by ClinVar (database versions not stated): gnomAD exomes below 0.00001; ExAC 0.00001; gnomAD 0.00001.
gnomAD v4.1: 8 of 1,613,966 alleles (0.0005%); highest among the groups gnomAD compares: East Asian, 0.0045%; no homozygotes.

Submission:

Labcorp Genetics (formerly Invitae), Labcorp
Classification: Uncertain significance. Last evaluated: 2024-08-11. Review status: criteria provided, single submitter. Criteria: Invitae Variant Classification Sherloc (09022015). Collection method: clinical testing. Allele origin: germline.
Comment: This sequence change replaces arginine, which is basic and polar, with tryptophan, which is neutral and slightly polar, at codon 406 of the SNRNP200 protein (p.Arg406Trp). The frequency data for this variant in the population databases is considered unreliable, as metrics indicate poor data quality at this position in the gnomAD database. This variant has not been reported in the literature in individuals affected with SNRNP200-related conditions. ClinVar contains an entry for this variant (Variation ID: 1718550). Advanced modeling of protein sequence and biophysical properties (such as structural, functional, and spatial information, amino acid conservation, physicochemical variation, residue mobility, and thermodynamic stability) performed at Invitae indicates that this missense variant is expected to disrupt SNRNP200 protein function with a positive predictive value of 80%. In summary, the available evidence is currently insufficient to determine the role of this variant in disease. Therefore, it has been classified as a Variant of Uncertain Significance.